The following is an entry in ClinVar:

NM_001277313.2(FMN1):c.1446del (p.Ser483fs)

Gene: FMN1 (formin 1; minus strand). Cytogenetic location: 15q13.3.
Variant type: Deletion.
Coding change: c.1446del on transcript NM_001277313.2 (MANE Select); coding-DNA position 1446, one base deleted (C; older notation c.1446delC).
Protein change: p.Ser483fs; shifts the reading frame from serine 483.
Molecular consequence: frameshift variant.
Genome position (GRCh38, 1-based): chr15:33,153,469, G deleted on the plus strand (C on the coding strand, the reverse complement: FMN1 is on the minus strand); the first of 2 consecutive G bases (chr15:33,153,469-33,153,470); deleting either gives the same sequence. VCF-style (leftmost placement, unchanged base first): chr15-33153468-AG-A. GRCh37 (hg19) VCF-style: chr15-33445669-AG-A.
Other names: c.1446del, p.Ser483fs (NM_001277314.2); short protein forms S483fs.
Identifiers: ClinVar variation 4995678 (VCV004995678.1).

ClinVar aggregate classification (germline): Uncertain significance (1 of 4 stars; one submission).

Conditions:
FMN1-related disorder. Also called: FMN1-related condition.

Submission:

PreventionGenetics, part of Exact Sciences
Classification: Uncertain significance for FMN1-related condition. Last evaluated: 2026-02-16. Review status: criteria provided, single submitter. Criteria: ACMG Guidelines, 2015. Collection method: clinical testing. Allele origin: germline.
Comment: The FMN1 c.1446delC variant is predicted to result in a frameshift and premature protein termination (p.Ser483Hisfs*204). In our default transcript, which is also the primary transcript listed in the Human Gene Mutation Database (NM_001103184), this variant is located in the pre-coding region and corresponds to c.-85585delC (Pre-Coding). To our knowledge, this variant has not been reported in the literature or in a large population database (gnomAD), indicating this variant is rare. At this time, the clinical significance of this variant is uncertain due to the absence of conclusive functional and genetic evidence.